The following is an entry in ClinVar:

NM_007109.3(TCF19):c.631A>G (p.Met211Val)

Gene: TCF19 (transcription factor 19; plus strand). Cytogenetic location: 6p21.33.
Variant type: single nucleotide variant.
Coding change: c.631A>G on transcript NM_007109.3 (MANE Select); coding-DNA position 631, A replaced by G.
Protein change: p.Met211Val; replaces methionine 211 with valine.
Molecular consequence: missense variant.
Genome position (GRCh38, 1-based): chr6:31,161,839, A>G. VCF-style: chr6-31161839-A-G. GRCh37 (hg19) VCF-style: chr6-31129616-A-G.
Other names: NC_000006.11:g.31129616A>G; c.631A>G, p.Met211Val (NM_001077511.2, NM_001318908.2); short protein forms M211V.
Identifiers: ClinVar variation 1181041 (VCV001181041.3), dbSNP rs2073721, ClinGen allele CA3709700.

ClinVar aggregate classification (germline): Benign (1 of 4 stars; one submission).

Allele frequency attached by ClinVar (database versions not stated): gnomAD exomes 0.74807 and 0.75215; 1000 Genomes Project 0.76917; gnomAD 0.77983 and 0.78566; ESP Exome Variant Server 0.79213; ExAC 0.75215; 1000 Genomes Project 30x 0.77171; TOPMed 0.79043.
gnomAD v4.1: 1,211,799 of 1,611,980 alleles (75%); highest among the groups gnomAD compares: African/African-American, 85%; 457,232 homozygotes.

Submissions (2):

GeneDx
Classification: Benign. Last evaluated: 2018-07-13. Review status: criteria provided, single submitter. Criteria: GeneDx Variant Classification Process June 2021. Collection method: clinical testing. Allele origin: germline. Affected: yes.
Comment: This variant is associated with the following publications: (PMID: 29632382)

Dr. Peter K. Rogan Lab, Western University
No classification provided (evidence only). Condition: Germ cell tumor of testis. Review status: no classification provided. Collection method: in vitro. Allele origin: not applicable. Functional consequence: retained intron. Not counted in ClinVar's aggregate classification.